The following is an entry in ClinVar:

NM_000136.3(FANCC):c.686+5G>A

Genes: FANCC (FA complementation group C; minus strand), AOPEP (aminopeptidase O (putative); plus strand). Cytogenetic location: 9q22.32.
Variant type: single nucleotide variant.
Coding change: c.686+5G>A on transcript NM_000136.3 (MANE Select); 5 bases into the intron after coding-DNA position 686, G replaced by A.
Molecular consequence: intron variant.
Genome position (GRCh38, 1-based): chr9:95,149,918, C>T on the plus strand (G>A on the coding strand, the complement: FANCC is on the minus strand). VCF-style: chr9-95149918-C-T. GRCh37 (hg19) VCF-style: chr9-97912200-C-T.
Other names: c.686+5G>A (NM_001243743.2, NM_001243744.2).
Identifiers: ClinVar variation 420766 (VCV000420766.10), dbSNP rs1064794691, ClinGen allele CA16618885.

ClinVar aggregate classification (germline): Conflicting classifications of pathogenicity. Review status: criteria provided, conflicting classifications (1 of 4 stars). 5 submissions from 5 submitters: Likely pathogenic (2); Uncertain significance (2). 1 of the submissions does not count toward it. Last evaluated 2024-04-10.

Conditions:
Fanconi anemia (FA). Also called: Fanconi's anemia. Identifiers: Orphanet 84, MedGen C0015625, MeSH D005199, MONDO:0019391.
Hereditary cancer-predisposing syndrome. Also called: Hereditary neoplastic syndrome; Tumor predisposition; Neoplastic Syndromes, Hereditary; Hereditary Cancer Syndrome. Identifiers: Orphanet 140162, MedGen C0027672, MeSH D009386, MONDO:0015356.
Fanconi anemia complementation group C (FANCC). Also called: FANCONI PANCYTOPENIA, TYPE 3; FACC; Fanconi anemia, group C; FANCC-Related Fanconi Anemia. Identifiers: Orphanet 84, MedGen C3468041, MONDO:0009213, OMIM 227645.

Allele frequency attached by ClinVar (database versions not stated): gnomAD exomes below 0.00001.
gnomAD v4.1: 3 of 1,594,176 alleles (0.00019%); no homozygotes.

Submissions (5):

GeneDx
Classification: Likely pathogenic. Last evaluated: 2024-04-10. Review status: criteria provided, single submitter. Criteria: GeneDx Variant Classification Process June 2021. Collection method: clinical testing. Allele origin: germline. Affected: yes.
Comment: Intronic +5 splice site variant in a gene for which loss of function is a known mechanism of disease, and both splice predictors and evolutionary conservation support a deleterious effect, although in the absence of functional evidence the actual effect of this sequence change is unknown.; Has not been previously published as pathogenic or benign to our knowledge; Not observed at significant frequency in large population cohorts (gnomAD)

Ambry Genetics
Classification: Uncertain significance for Hereditary cancer-predisposing syndrome. Last evaluated: 2024-02-14. Review status: criteria provided, single submitter. Criteria: Ambry Variant Classification Scheme 2023. Collection method: clinical testing. Allele origin: germline.
Comment: The c.686+5G>A intronic variant results from a G to A substitution 5 nucleotides after coding exon 6 in the FANCC gene. This nucleotide position is highly conserved in available vertebrate species. In silico splice site analysis predicts that this alteration will weaken the native splice donor site; however, direct evidence is insufficient at this time (Ambry internal data). Based on the available evidence, the clinical significance of this alteration remains unclear.

New York Genome Center
Classification: Likely pathogenic for Fanconi anemia complementation group C. Last evaluated: 2023-01-13. Review status: criteria provided, single submitter. Criteria: NYGC Assertion Criteria 2020. Collection method: clinical testing. Allele origin: inherited. Affected: yes. Observed: 1 compound heterozygote. Study: PrenatalSEQ.
Comment: The c.686+5G>A variant in FANCC has not previously been reported in the literature and is deposited in ClinVar [ClinVar ID: 420766] as a Variant of Uncertain Significance. The c.686+5G>A variant is absent from population databases (gnomAD v2.1.1 and v3.1.2, TOPMed Freeze 8), suggesting it is not a common benign variant in the populations represented in those databases. The c.686+5G>A variant is located in the splice region after exon 7 of this 15-exon gene and is predicted to affect mRNA splicing (Splice AI = 0.7287) however, there are no functional studies to support or refute this prediction. Based on available evidence, this inherited c.686+5G>A variant identified in FANCC is classified as Likely pathogenic.

Labcorp Genetics (formerly Invitae), Labcorp
Classification: Uncertain significance for Fanconi anemia. Last evaluated: 2021-10-10. Review status: criteria provided, single submitter. Criteria: Invitae Variant Classification Sherloc (09022015). Collection method: clinical testing. Allele origin: germline.
Comment: This sequence change falls in intron 7 of the FANCC gene. It does not directly change the encoded amino acid sequence of the FANCC protein. It affects a nucleotide within the consensus splice site of the intron. This variant is not present in population databases (ExAC no frequency). This variant has not been reported in the literature in individuals with FANCC-related conditions. ClinVar contains an entry for this variant (Variation ID: 420766). Nucleotide substitutions within the consensus splice site are a relatively common cause of aberrant splicing (PMID: 17576681, 9536098). Algorithms developed to predict the effect of sequence changes on RNA splicing suggest that this variant may disrupt the consensus splice site, but this prediction has not been confirmed by published transcriptional studies. In summary, the available evidence is currently insufficient to determine the role of this variant in disease. Therefore, it has been classified as a Variant of Uncertain Significance.

Natera, Inc.
Classification: Uncertain significance for Fanconi anemia. Last evaluated: 2020-11-12. Review status: no assertion criteria provided. Collection method: clinical testing. Allele origin: germline. Not counted in ClinVar's aggregate classification.

Literature cited by the submitters: PubMed 17576681 (cited by Labcorp Genetics (formerly Invitae), Labcorp); PubMed 9536098 (cited by Labcorp Genetics (formerly Invitae), Labcorp).